The following is an entry in ClinVar:

NM_001165963.4(SCN1A):c.4002+2005G>A

Genes: SCN1A (sodium voltage-gated channel alpha subunit 1; minus strand), LOC102724058 (uncharacterized LOC102724058; plus strand). Cytogenetic location: 2q24.3.
Variant type: single nucleotide variant.
Coding change: c.4002+2005G>A on transcript NM_001165963.4 (MANE Select); 2005 bases into the intron after coding-DNA position 4002, G replaced by A.
Molecular consequence: intron variant.
Genome position (GRCh38, 1-based): chr2:166,007,714, C>T on the plus strand (G>A on the coding strand, the complement: SCN1A is on the minus strand). VCF-style: chr2-166007714-C-T. GRCh37 (hg19) VCF-style: chr2-166864224-C-T.
Other names: c.3969+2005G>A (NM_001353949.2, NM_001353950.2, NM_001353951.2 and 2 more transcripts); c.3918+2005G>A (NM_001353958.2, NM_001353957.2, NM_001165964.3); c.4002+2005G>A (NM_001202435.3, NM_001353948.2); c.3966+2005G>A (NM_001353955.2, NM_001353954.2); c.3915+2005G>A (NM_001353960.2); c.1560+2005G>A (NM_001353961.2).
Identifiers: ClinVar variation 2996331 (VCV002996331.3), dbSNP rs2468475250, ClinGen allele CA2740095834.
Genomic context (GRCh38, chr2:166,007,714, plus strand): 5'-TTCTAACTTCTTATCAAGCACTGTACAACATGCTTTATTCAGTAATGTTGCATAAAAGCA[C>T]ATGCTTTGAAAAAATAACAGAACAACAAAAATAAAATGAGTGCCTGAGTTACGCTTTGAC-3'

ClinVar aggregate classification (germline): Uncertain significance (1 of 4 stars; one submission).

Conditions:
Early-infantile DEE. Also called: Early infantile epileptic encephalopathy with suppression bursts; Ohtahara syndrome; Early infantile epileptic encephalopathy. Identifiers: Orphanet 1934, MedGen C0393706, MONDO:0800491.

Submission:

Labcorp Genetics (formerly Invitae), Labcorp
Classification: Uncertain significance for Early-infantile DEE. Last evaluated: 2024-05-15. Review status: criteria provided, single submitter. Criteria: Invitae Variant Classification Sherloc (09022015). Collection method: clinical testing. Allele origin: germline.
Comment: This sequence change falls in intron 20 of the SCN1A gene. It does not directly change the encoded amino acid sequence of the SCN1A protein. However, this sequence change falls within a region encompassing a cryptic exon in the SCN1A gene, in which variants have been shown to alter splicing (PMID: 30526861, 34107977). This variant is not present in population databases (gnomAD no frequency). This variant has not been reported in the literature in individuals affected with SCN1A-related conditions. Algorithms developed to predict the effect of sequence changes on RNA splicing suggest that this variant is not likely to affect RNA splicing. In summary, the available evidence is currently insufficient to determine the role of this variant in disease. Therefore, it has been classified as a Variant of Uncertain Significance.

Literature cited by the submitters: PubMed 30526861; PubMed 34107977.